The following is an entry in ClinVar:

ClinVar aggregate classification (germline): Likely benign (1 of 4 stars; one submission).

Conditions:
CFAP74-related disorder. Also called: CFAP74-related condition.

gnomAD v4.1: 267 of 1,536,002 alleles (0.017%); highest among the groups gnomAD compares: African/African-American, 0.31%; 1 homozygote.

Submission:

PreventionGenetics, part of Exact Sciences
Classification: Likely benign for CFAP74-related condition. Last evaluated: 2025-12-06. Review status: criteria provided, single submitter. Criteria: ACMG Guidelines, 2015. Collection method: clinical testing. Allele origin: germline.
Comment: This variant is classified as likely benign based on ACMG/AMP sequence variant interpretation guidelines (Richards et al. 2015 PMID: 25741868, with internal and published modifications).

NM_001304360.2(CFAP74):c.2223G>A (p.Thr741=)

Gene: CFAP74 (cilia and flagella associated protein 74; minus strand). Cytogenetic location: 1p36.33.
Variant type: single nucleotide variant.
Coding change: c.2223G>A on transcript NM_001304360.2 (MANE Select); coding-DNA position 2223, G replaced by A.
Protein change: p.Thr741=; no amino-acid change (threonine 741 retained).
Molecular consequence: synonymous variant.
Genome position (GRCh38, 1-based): chr1:1,947,008, C>T on the plus strand (G>A on the coding strand, the complement: CFAP74 is on the minus strand). VCF-style: chr1-1947008-C-T. GRCh37 (hg19) VCF-style: chr1-1878447-C-T.
Identifiers: ClinVar variation 4981920 (VCV004981920.1).